The following is an entry in ClinVar:

NM_014846.4(WASHC5):c.3084+193G>A

Gene: WASHC5 (WASH complex subunit 5; minus strand). Cytogenetic location: 8q24.13.
Variant type: single nucleotide variant.
Coding change: c.3084+193G>A on transcript NM_014846.4 (MANE Select); 193 bases into the intron after coding-DNA position 3084, G replaced by A.
Molecular consequence: intron variant.
Genome position (GRCh38, 1-based): chr8:125,038,637, C>T on the plus strand (G>A on the coding strand, the complement: WASHC5 is on the minus strand). VCF-style: chr8-125038637-C-T. GRCh37 (hg19) VCF-style: chr8-126050879-C-T.
Other names: c.2640+193G>A (NM_001330609.2).
Identifiers: ClinVar variation 682822 (VCV000682822.1), dbSNP rs13277078, ClinGen allele CA185289148.
Genomic context (GRCh38, chr8:125,038,637, plus strand): 5'-TAATCTCTTACACGGAGGCAGCACCTTCCCCTTTGTCATGAGCTTTCACCAGCGCTATAG[C>T]ACTTGATTCTCACAGACCTGAGCCAGGCGGGGAAAGTGTGATGATTGCTTAGAAAGGGCA-3'

ClinVar aggregate classification (germline): Benign (1 of 4 stars; one submission).

Allele frequency attached by ClinVar (database versions not stated): gnomAD 0.08522 and 0.09022; TOPMed 0.09784; 1000 Genomes Project 0.12480; 1000 Genomes Project 30x 0.12586.
gnomAD v4.1: 13,658 of 152,242 alleles (9%); highest among the groups gnomAD compares: East Asian, 23%; 997 homozygotes.

Submission:

GeneDx
Classification: Benign. Last evaluated: 2018-06-14. Review status: criteria provided, single submitter. Criteria: GeneDx Variant Classification (06012015). Collection method: clinical testing. Allele origin: germline. Affected: yes.
Comment: This variant is considered likely benign or benign based on one or more of the following criteria: it is a conservative change, it occurs at a poorly conserved position in the protein, it is predicted to be benign by multiple in silico algorithms, and/or has population frequency not consistent with disease.